The following is an entry in ClinVar:

ClinVar aggregate classification (germline): Uncertain significance (1 of 4 stars; one submission).

Allele frequency attached by ClinVar (database versions not stated): gnomAD exomes below 0.00001.
gnomAD v4.1: 4 of 1,613,876 alleles (0.00025%); highest among the groups gnomAD compares: Non-Finnish European, 0.00034%; no homozygotes.

Submission:

Labcorp Genetics (formerly Invitae), Labcorp
Classification: Uncertain significance. Last evaluated: 2024-06-20. Review status: criteria provided, single submitter. Criteria: Invitae Variant Classification Sherloc (09022015). Collection method: clinical testing. Allele origin: germline.
Comment: This sequence change replaces serine, which is neutral and polar, with leucine, which is neutral and non-polar, at codon 3927 of the HMCN1 protein (p.Ser3927Leu). This variant is not present in population databases (gnomAD no frequency). This variant has not been reported in the literature in individuals affected with HMCN1-related conditions. ClinVar contains an entry for this variant (Variation ID: 1718730). An algorithm developed to predict the effect of missense changes on protein structure and function (PolyPhen-2) suggests that this variant is likely to be disruptive. In summary, the available evidence is currently insufficient to determine the role of this variant in disease. Therefore, it has been classified as a Variant of Uncertain Significance.

NM_031935.3(HMCN1):c.11780C>T (p.Ser3927Leu)

Gene: HMCN1 (hemicentin 1; plus strand). Cytogenetic location: 1q31.1.
Variant type: single nucleotide variant.
Coding change: c.11780C>T on transcript NM_031935.3 (MANE Select); coding-DNA position 11780, C replaced by T.
Protein change: p.Ser3927Leu; replaces serine 3927 with leucine.
Molecular consequence: missense variant.
Genome position (GRCh38, 1-based): chr1:186,117,555, C>T. VCF-style: chr1-186117555-C-T. GRCh37 (hg19) VCF-style: chr1-186086687-C-T.
Other names: short protein forms S3927L.
Identifiers: ClinVar variation 1718730 (VCV001718730.5), dbSNP rs2528017179, ClinGen allele CA343946189.
Genomic context (GRCh38, chr1:186,117,555, plus strand): 5'-TAGTAACCAAACATGCCCCAGCAGTAATTACCTGCACTGCTTCGGGAGTTCCATTTCCCT[C>T]AATTCACTGGACCAAAAATGGTATAAGACTGCTTCCCAGGGGAGATGGCTATAGAATTCT-3'
Protein context (NP_114141.2, residues 3917-3937): TCTASGVPFP[Ser3927Leu]IHWTKNGIRL